The following is an entry in ClinVar:

NM_021870.2(FGG):c.901C>T (p.Arg301Cys)

Gene: FGG (fibrinogen gamma chain; minus strand). Cytogenetic location: 4q32.1.
Variant type: single nucleotide variant.
Coding change: c.901C>T on transcript NM_021870.2; coding-DNA position 901, C replaced by T.
Protein change: p.Arg301Cys; replaces arginine 301 with cysteine.
Molecular consequence: missense variant (on NM_021870.3).
Genome position (GRCh38, 1-based): chr4:154,606,933, G>A on the plus strand (C>T on the coding strand, the complement: FGG is on the minus strand). VCF-style: chr4-154606933-G-A. GRCh37 (hg19) VCF-style: chr4-155528085-G-A.
Other names: R275C; FIBRINOGEN MORIOKA 1; FIBRINOGEN OSAKA 2; FIBRINOGEN TOCHIGI 1; FIBRINOGEN TOKYO 2; c.901C>T, p.Arg301Cys (NM_000509.6, NM_021870.3); short protein forms R301C.
Identifiers: ClinVar variation 16361 (VCV000016361.21), dbSNP rs121913087, ClinGen allele CA126388.
Genomic context (GRCh38, chr4:154,606,933, plus strand): 5'-AATCAAAGCCATCAAAGGCATCTCCAGCATCCCCACCAGCGAAGTAGGCATATGTTAGGC[G>A]GTACTTGTCAGCTTCAGGTCCCACCTTGAACATGGCATAGTCTGCAGTACTGAGAAGAAG-3'
Protein context (NP_068656.2, residues 291-311): FKVGPEADKY[Arg301Cys]LTYAYFAGGD

ClinVar aggregate classification (germline): Pathogenic/Likely pathogenic. Review status: criteria provided, multiple submitters, no conflicts (2 of 4 stars). 12 submissions from 11 submitters: Pathogenic (6); Likely pathogenic (3). 3 of the submissions do not count toward it. Last evaluated 2025-07-24.

Conditions:
Autosomal dominant FGG-related disorders.
FGG-related disorder. Also called: FGG-related condition.
Familial dysfibrinogenemia. Also called: Dysfibrinogenemia, congenital. Identifiers: Orphanet 335, Orphanet 98881, MedGen C0272350, MONDO:0014452, OMIM 616004.
FIBRINOGEN TOKYO 2.
Afibrinogenemia. Identifiers: Orphanet 200418, MedGen C0001733, MeSH D000347, HP:0034287.
Hypofibrinogenemia. Identifiers: MedGen C0553681, HP:0011900.

Allele frequency attached by ClinVar (database versions not stated): gnomAD exomes below 0.00001.
gnomAD v4.1: 4 of 1,613,288 alleles (0.00025%); highest among the groups gnomAD compares: South Asian, 0.0011%; no homozygotes.

Submissions (12):

Mayo Clinic Laboratories, Mayo Clinic
Classification: Pathogenic. Last evaluated: 2025-07-24. Review status: criteria provided, single submitter. Criteria: ACMG Guidelines, 2015. Collection method: clinical testing. Allele origin: germline. Observed: 9 variant alleles.
Comment: PP3_moderate, PM2_supporting, PS3, PS4_very_strong

Variantyx, Inc.
Classification: Likely pathogenic for Autosomal dominant FGG-related disorders. Last evaluated: 2025-06-25. Review status: criteria provided, single submitter. Criteria: Variantyx Assertion Criteria 2022. Collection method: clinical testing. Allele origin: germline. Inheritance: Autosomal dominant inheritance. Affected: yes.
Comment: This is a nonsynonymous variant in the FGG gene (OMIM: 134850). Pathogenic variants in this gene have been associated with autosomal dominant FGG-related disorders. This variant has been reported in at least 2 unrelated affected individuals (PMID: 2971042, 20386430) (PS4_Moderate). Functional studies have shown that this variant alters FGG protein function (PMID: 2971042, 7654933) (PS3), and multiple computational algorithms predict a deleterious effect for this variant (REVEL score: 0.905) (PP3). Alternate amino acid changes at this position (p.Arg301His, p.Arg301Ser) have been previously reported in similarly affected individuals, which suggests that this residue is biologically important (PMID: 20546853, 30349899, 30512152, 35063457) (PM5). This variant has a 0.0012% maximum allele frequency in non-founder control populations (PM2). Based on the current evidence, this variant is classified as likely pathogenic for autosomal dominant FGG-related disorders.

Labcorp Genetics (formerly Invitae), Labcorp
Classification: Likely pathogenic. Last evaluated: 2024-02-14. Review status: criteria provided, single submitter. Criteria: Invitae Variant Classification Sherloc (09022015). Collection method: clinical testing. Allele origin: germline.
Comment: This sequence change replaces arginine, which is basic and polar, with cysteine, which is neutral and slightly polar, at codon 301 of the FGG protein (p.Arg301Cys). This variant is not present in population databases (gnomAD no frequency). This missense change has been observed in individual(s) with dysfibrinoginemia (PMID: 2971042, 7654933, 20386430, 29351094, 31295712, 31314131, 32877852, 35048620). It has also been observed to segregate with disease in related individuals. This variant is also known as p.Arg275Cys. ClinVar contains an entry for this variant (Variation ID: 16361). Advanced modeling of protein sequence and biophysical properties (such as structural, functional, and spatial information, amino acid conservation, physicochemical variation, residue mobility, and thermodynamic stability) performed at Invitae indicates that this missense variant is expected to disrupt FGG protein function with a positive predictive value of 80%. Studies have shown that this missense change alters FGG gene expression (PMID: 2971042). This variant disrupts the p.Arg301 amino acid residue in FGG. Other variant(s) that disrupt this residue have been determined to be pathogenic (PMID: 20508898, 20546853, 30349899, 30512152, 35063457). This suggests that this residue is clinically significant, and that variants that disrupt this residue are likely to be disease-causing. In summary, the currently available evidence indicates that the variant is pathogenic, but additional data are needed to prove that conclusively. Therefore, this variant has been classified as Likely Pathogenic.

Women's Health and Genetics/Laboratory Corporation of America, LabCorp
Classification: Pathogenic for Familial dysfibrinogenemia. Last evaluated: 2023-02-03. Review status: criteria provided, single submitter. Criteria: LabCorp Variant Classification Summary - May 2015. Collection method: clinical testing. Allele origin: germline.
Comment: Variant summary: FGG c.901C>T (p.Arg301Cys) results in a non-conservative amino acid change in the encoded protein sequence. Five of five in-silico tools predict a damaging effect of the variant on protein function. The variant was absent in 250032 control chromosomes. c.901C>T has been reported in the literature in multiple individuals affected with congenital dysfibrinogenemia and/or comprehensively sequenced cohorts of patients with bleeding, thrombotic, and platelet disorders (example, PMID: 7654933, 31064749, 10911375, 29351094). These data indicate that the variant is very likely to be associated with disease. To our knowledge, no experimental evidence demonstrating an impact on protein function has been ascertained in the context of this evaluation. Two clinical diagnostic laboratories have submitted clinical-significance assessments for this variant to ClinVar after 2014 without evidence for independent evaluation. All laboratories classified the variant as pathogenic/likely pathogenic. Based on the evidence outlined above, the variant was classified as pathogenic.

Revvity Omics, Revvity
Classification: Pathogenic. Last evaluated: 2022-04-26. Review status: criteria provided, single submitter. Criteria: ACMG Guidelines, 2015. Collection method: clinical testing. Allele origin: germline.

Genetics and Molecular Pathology, SA Pathology
Classification: Likely pathogenic for Familial dysfibrinogenemia. Last evaluated: 2021-04-13. Review status: criteria provided, single submitter. Criteria: ACMG Guidelines, 2015. Collection method: clinical testing. Allele origin: germline. Inheritance: Autosomal dominant inheritance. Affected: yes.

NIHR Bioresource Rare Diseases, University of Cambridge
Classification: Pathogenic for Hypofibrinogenemia. Last evaluated: 2019-02-01. Review status: criteria provided, single submitter. Criteria: ACMG Guidelines, 2015. Collection method: research. Allele origin: unknown. Affected: yes. Observed: 2 heterozygotes. Study: ThromboGenomics.

ISTH-SSC Genomics in Thrombosis and Hemostasis, KU Leuven, Center for Molecular and Vascular Biology
Classification: Pathogenic for Familial dysfibrinogenemia. Review status: criteria provided, single submitter. Criteria: ACMG Guidelines, 2015. Collection method: clinical testing. Allele origin: germline. Affected: yes. Observed: 1 heterozygote.
Comment: Submitted to the GoldVariant database by Kathleen Freson, Center for Molecular and Vascular Biology

Juno Genomics, Hangzhou Juno Genomics, Inc
Classification: Pathogenic for Familial dysfibrinogenemia. Review status: criteria provided, single submitter. Criteria: ACMG Guidelines, 2015. Collection method: clinical testing. Allele origin: germline. Affected: yes.
Comment: Absent from controls (or at extremely low frequency if recessive) in Genome Aggregation Database, Exome Sequencing Project, 1000 Genomes Project, or Exome Aggregation Consortium.;Multiple lines of computational evidence support a deleterious effect on the gene or gene product (conservation, evolutionary, splicing impact, etc).;Novel missense change at an amino acid residue where a different missense change determined to be pathogenic has been seen before.;The prevalence of the variant in affected individuals is significantly increased compared to the prevalence in controls.;Co-segregation with disease in multiple affected family members in a gene definitively known to cause the disease.;Patient's phenotype or family history is highly specific for a disease with a single genetic etiology.

PreventionGenetics, part of Exact Sciences
Classification: Pathogenic for FGG-related condition. Last evaluated: 2024-09-13. Review status: no assertion criteria provided. Collection method: clinical testing. Allele origin: germline. Not counted in ClinVar's aggregate classification.
Comment: The FGG c.901C>T variant is predicted to result in the amino acid substitution p.Arg301Cys. This variant is also described using legacy nomenclature as p.Arg275Cys, has been reported in the heterozygous state in several patients with dysfibrinogenemia (Borrell et al. 1995. PubMed ID: 7654933; Rein et al. 2010. PubMed ID: 20386430; Wang et al. 2018. PubMed ID: 29351094). This variant has not been reported in a large population database, indicating this variant is rare. This variant is interpreted as pathogenic.

OMIM
Classification: other for FIBRINOGEN TOKYO 2. Last evaluated: 2014-09-26. Review status: no assertion criteria provided. Collection method: literature only. Allele origin: germline. Not counted in ClinVar's aggregate classification.

ISTH-SSC Genomics in Thrombosis and Hemostasis, KU Leuven, Center for Molecular and Vascular Biology
Classification: Pathogenic for Afibrinogenemia. Review status: no assertion criteria provided. Collection method: clinical testing. Allele origin: unknown. Affected: yes. Not counted in ClinVar's aggregate classification.
Comment: Submitted to GoldVariant by Prof Kathleen Freson from Center for Molecular and Vascular Biology, Leuven, Belgium

Literature cited by the submitters: PubMed 10870810 (cited by Mayo Clinic Laboratories, Mayo Clinic); PubMed 20386430 (cited by 3 submitters); PubMed 25320241 (cited by Mayo Clinic Laboratories, Mayo Clinic); PubMed 29351094 (cited by 3 submitters); PubMed 32877852 (cited by Mayo Clinic Laboratories, Mayo Clinic and Labcorp Genetics (formerly Invitae), Labcorp); PubMed 33443927 (cited by Mayo Clinic Laboratories, Mayo Clinic); PubMed 34275736 (cited by Mayo Clinic Laboratories, Mayo Clinic); PubMed 35975558 (cited by Mayo Clinic Laboratories, Mayo Clinic); PubMed 38286442 (cited by Mayo Clinic Laboratories, Mayo Clinic); PubMed 7635941 (cited by Mayo Clinic Laboratories, Mayo Clinic and OMIM); PubMed 7654933 (cited by 4 submitters); PubMed 2971042 (cited by 3 submitters); PubMed 20546853 (cited by Variantyx, Inc. and Labcorp Genetics (formerly Invitae), Labcorp); PubMed 30349899 (cited by Variantyx, Inc. and Labcorp Genetics (formerly Invitae), Labcorp); PubMed 30512152 (cited by Variantyx, Inc. and Labcorp Genetics (formerly Invitae), Labcorp); PubMed 35063457 (cited by Variantyx, Inc. and Labcorp Genetics (formerly Invitae), Labcorp); PubMed 31295712 (cited by Labcorp Genetics (formerly Invitae), Labcorp); PubMed 31314131 (cited by Labcorp Genetics (formerly Invitae), Labcorp); PubMed 35048620 (cited by Labcorp Genetics (formerly Invitae), Labcorp); PubMed 20508898 (cited by Labcorp Genetics (formerly Invitae), Labcorp); PubMed 31064749 (cited by Women's Health and Genetics/Laboratory Corporation of America, LabCorp and NIHR Bioresource Rare Diseases, University of Cambridge); PubMed 10911375 (cited by Women's Health and Genetics/Laboratory Corporation of America, LabCorp); PubMed 6886002 (cited by OMIM); PubMed 4002201 (cited by OMIM); PubMed 3337908 (cited by OMIM); PubMed 2617471 (cited by OMIM).